The following is an entry in ClinVar:

ClinVar aggregate classification (germline): Likely benign (1 of 4 stars; one submission).

Allele frequency attached by ClinVar (database versions not stated): ExAC 0.00003; gnomAD 0.00004; 1000 Genomes Project 30x 0.00016; 1000 Genomes Project 0.00020.
gnomAD v4.1: 84 of 1,609,476 alleles (0.0052%); highest among the groups gnomAD compares: Admixed American, 0.0085%; no homozygotes.

Submission:

CeGaT Center for Human Genetics Tuebingen
Classification: Likely benign. Last evaluated: 2024-05-01. Review status: criteria provided, single submitter. Criteria: CeGaT Center For Human Genetics Tuebingen Variant Classification Criteria Version 2. Collection method: clinical testing. Allele origin: germline. Affected: yes. Observed: 1 variant allele.
Comment: SHANK2: BP4, BP7

NM_012309.5(SHANK2):c.2175C>T (p.Pro725=)

Gene: SHANK2 (SH3 and multiple ankyrin repeat domains 2; minus strand). Cytogenetic location: 11q13.4.
Variant type: single nucleotide variant.
Coding change: c.2175C>T on transcript NM_012309.5 (MANE Select); coding-DNA position 2175, C replaced by T.
Protein change: p.Pro725=; no amino-acid change (proline 725 retained).
Molecular consequence: synonymous variant. On other transcripts: non-coding transcript variant (1).
Genome position (GRCh38, 1-based): chr11:70,502,818, G>A on the plus strand (C>T on the coding strand, the complement: SHANK2 is on the minus strand). VCF-style: chr11-70502818-G-A. GRCh37 (hg19) VCF-style: chr11-70348923-G-A.
Other names: c.1038C>T, p.Pro346= (NM_001379226.1); c.411C>T, p.Pro137= (NM_133266.5).
Identifiers: ClinVar variation 3239227 (VCV003239227.19), dbSNP rs546959614.
Genomic context (GRCh38, chr11:70,502,818, plus strand): 5'-GGGCCCCAGGCTGGAGCTGGGCGATGTGGGGCATGTACCTTTCTTCCTGGCGGTGTCGTC[G>A]GGGTCCAGATTCCTGGTCACCGTGACCACCTTAAGGACCAGGTGATTCCCTCCCTGCCGG-3'
Protein context (NP_036441.2, residues 715-735): KVVTVTRNLD[Pro725=]DDTARKKAPP